The following is an entry in ClinVar:

ClinVar aggregate classification (germline): Uncertain significance. Review status: criteria provided, multiple submitters, no conflicts (2 of 4 stars). 2 submissions from 2 submitters: Uncertain significance (2). Last evaluated 2024-04-23.

Conditions:
Inborn genetic diseases. Identifiers: MedGen C0950123, MeSH D030342.

Allele frequency attached by ClinVar (database versions not stated): gnomAD exomes 0.00001; TOPMed 0.00003; 1000 Genomes Project 0.00020; ExAC 0.00002; 1000 Genomes Project 30x 0.00016; gnomAD 0.00001.
gnomAD v4.1: 15 of 1,613,864 alleles (0.00093%); highest among the groups gnomAD compares: African/African-American, 0.008%; no homozygotes.

Submissions (2):

Ambry Genetics
Classification: Uncertain significance for Inborn genetic diseases. Last evaluated: 2024-04-23. Review status: criteria provided, single submitter. Criteria: Ambry Variant Classification Scheme 2023. Collection method: clinical testing. Allele origin: germline.

Labcorp Genetics (formerly Invitae), Labcorp
Classification: Uncertain significance. Last evaluated: 2022-07-03. Review status: criteria provided, single submitter. Criteria: Invitae Variant Classification Sherloc (09022015). Collection method: clinical testing. Allele origin: germline.
Comment: In summary, the available evidence is currently insufficient to determine the role of this variant in disease. Therefore, it has been classified as a Variant of Uncertain Significance. Experimental studies and prediction algorithms are not available or were not evaluated, and the functional significance of this variant is currently unknown. This variant has not been reported in the literature in individuals affected with LTBP4-related conditions. This variant is present in population databases (rs537075159, gnomAD 0.01%). This sequence change replaces lysine, which is basic and polar, with arginine, which is basic and polar, at codon 42 of the LTBP4 protein (p.Lys42Arg).

NM_003573.2(LTBP4):c.125A>G (p.Lys42Arg)

Gene: LTBP4 (latent transforming growth factor beta binding protein 4; plus strand). Cytogenetic location: 19q13.2.
Variant type: single nucleotide variant.
Coding change: c.125A>G on transcript NM_003573.2; coding-DNA position 125, A replaced by G.
Protein change: p.Lys42Arg; replaces lysine 42 with arginine.
Molecular consequence: missense variant.
Genome position (GRCh38, 1-based): chr19:40,599,451, A>G. VCF-style: chr19-40599451-A-G. GRCh37 (hg19) VCF-style: chr19-41105357-A-G.
Other names: c.236A>G, p.Lys79Arg (NM_001042544.1); short protein forms K42R, K79R.
Identifiers: ClinVar variation 1920915 (VCV001920915.4), dbSNP rs537075159, ClinGen allele CA9447941.